The following is an entry in ClinVar:

ClinVar aggregate classification (germline): Likely benign (1 of 4 stars; one submission).

Allele frequency attached by ClinVar (database versions not stated): TOPMed 0.00002.
gnomAD v4.1: 5 of 1,550,390 alleles (0.00032%); highest among the groups gnomAD compares: Admixed American, 0.0078%; no homozygotes.

Submission:

Laboratory for Molecular Medicine, Mass General Brigham Personalized Medicine
Classification: Likely benign. Last evaluated: 2017-02-07. Review status: criteria provided, single submitter. Criteria: LMM Criteria. Collection method: clinical testing. Allele origin: germline. Observed: 1 variant allele.
Comment: p.Pro533Pro in exon 14 of OTOG: This variant is not expected to have clinical si gnificance because it does not alter an amino acid residue and is not located wi thin the splice consensus sequence. It has been identified in 3/25534 Latino chr omosomes by the Genome Aggregation Database (gnomAD)

NM_001292063.2(OTOG):c.1563C>G (p.Pro521=)

Gene: OTOG (otogelin; plus strand). Cytogenetic location: 11p15.1.
Variant type: single nucleotide variant.
Coding change: c.1563C>G on transcript NM_001292063.2 (MANE Select); coding-DNA position 1563, C replaced by G.
Protein change: p.Pro521=; no amino-acid change (proline 521 retained).
Molecular consequence: synonymous variant.
Genome position (GRCh38, 1-based): chr11:17,561,726, C>G. VCF-style: chr11-17561726-C-G. GRCh37 (hg19) VCF-style: chr11-17583273-C-G.
Other names: c.1599C>G, p.Pro533= (NM_001277269.2).
Identifiers: ClinVar variation 505546 (VCV000505546.5), dbSNP rs749836896, ClinGen allele CA218498617.